The following is an entry in ClinVar:

ClinVar aggregate classification (germline): Pathogenic (1 of 4 stars; one submission).

Conditions:
Familial cancer of breast. Also called: hereditary breast carcinoma; BREAST CANCER, FAMILIAL; Hereditary breast cancer. Identifiers: Orphanet 227535, MedGen C0346153, MONDO:0016419, OMIM 114480. Disease mechanism: loss of function.

Submission:

Labcorp Genetics (formerly Invitae), Labcorp
Classification: Pathogenic for Familial cancer of breast. Last evaluated: 2025-04-23. Review status: criteria provided, single submitter. Criteria: Invitae Variant Classification Sherloc (09022015). Collection method: clinical testing. Allele origin: germline.
Comment: This sequence change creates a premature translational stop signal (p.Phe133Metfs*25) in the BARD1 gene. It is expected to result in an absent or disrupted protein product. Loss-of-function variants in BARD1 are known to be pathogenic (PMID: 20077502, 21344236). This variant is not present in population databases (gnomAD no frequency). This variant has not been reported in the literature in individuals affected with BARD1-related conditions. For these reasons, this variant has been classified as Pathogenic.

Literature cited by the submitters: PubMed 20077502; PubMed 21344236.

NM_000465.4(BARD1):c.396_399del (p.Phe133fs)

Gene: BARD1 (BRCA1 associated RING domain 1; minus strand). Cytogenetic location: 2q35.
Variant type: Microsatellite.
Coding change: c.396_399del on transcript NM_000465.4 (MANE Select); coding-DNA positions 396 to 399, 4 bases deleted (GTTT; older notation c.396_399delGTTT).
Protein change: p.Phe133fs; shifts the reading frame from phenylalanine 133.
Molecular consequence: frameshift variant. On other transcripts: non-coding transcript variant (2), intron variant (3).
Genome position (GRCh38, 1-based): chr2:214,781,475-214,781,478, AAAC deleted on the plus strand (GTTT on the coding strand, the reverse complement: BARD1 is on the minus strand); deleting any 4 consecutive bases within chr2:214,781,475-214,781,482 gives the same sequence; the c. name uses the placement nearest the transcript's 3' end. VCF-style (leftmost placement, unchanged base first): chr2-214781474-TAAAC-T. GRCh37 (hg19) VCF-style: chr2-215646198-TAAAC-T.
Other names: c.339_342del, p.Phe114fs (NM_001282543.2); c.158+27934_158+27937del (NM_001282548.2); c.215+15583_215+15586del (NM_001282545.2); c.364+10819_364+10822del (NM_001282549.2); short protein forms F114fs, F133fs.
Identifiers: ClinVar variation 4718203 (VCV004718203.1).